The following is an entry in ClinVar:

NM_001127511.3(APC):c.87C>T (p.Gly29=)

Gene: APC (APC regulator of Wnt signaling pathway; plus strand). Cytogenetic location: 5q22.2.
Variant type: single nucleotide variant.
Coding change: c.87C>T on transcript NM_001127511.3; coding-DNA position 87, C replaced by T.
Protein change: p.Gly29=; no amino-acid change (glycine 29 retained).
Molecular consequence: synonymous variant. On other transcripts: 5 prime UTR variant (8), non-coding transcript variant (1), intron variant (5).
Genome position (GRCh38, 1-based): chr5:112,707,804, C>T. VCF-style: chr5-112707804-C-T. GRCh37 (hg19) VCF-style: chr5-112043501-C-T.
Other names: c.-97C>T (NM_001354895.2, NM_001407447.1, NM_001407452.1 and 3 more transcripts); c.87C>T, p.Gly29= (NM_001354897.2, NM_001354902.2, NM_001407446.1); c.-1132C>T (NM_001407470.1, NM_001407472.1); c.-19+155C>T (NM_001407448.1, NM_001407450.1, NM_001407457.1 and 1 more transcripts); c.-43+155C>T (NM_001407453.1).
Identifiers: ClinVar variation 1018454 (VCV001018454.48), dbSNP rs1750610368, ClinGen allele CA1573442738.

ClinVar aggregate classification (germline): Uncertain significance. Review status: criteria provided, multiple submitters, no conflicts (2 of 4 stars). 2 submissions from 2 submitters: Uncertain significance (2). Last evaluated 2025-12-14.

Conditions:
Familial adenomatous polyposis 1 (FAP1). Also called: FAMILIAL ADENOMATOUS POLYPOSIS 1, ATTENUATED; POLYPOSIS, ADENOMATOUS INTESTINAL. Identifiers: MedGen C2713442, MONDO:0021056, OMIM 175100. Disease mechanism: loss of function.

Allele frequency attached by ClinVar (database versions not stated): gnomAD exomes below 0.00001; TOPMed 0.00001.
gnomAD v4.1: 4 of 1,370,630 alleles (0.00029%); highest among the groups gnomAD compares: Middle Eastern, 0.019%; no homozygotes.

Submissions (2):

Labcorp Genetics (formerly Invitae), Labcorp
Classification: Uncertain significance for Familial adenomatous polyposis 1. Last evaluated: 2025-12-14. Review status: criteria provided, single submitter. Criteria: Invitae Variant Classification Sherloc (09022015). Collection method: clinical testing. Allele origin: germline.
Comment: This variant occurs in a non-coding region of the APC gene. It does not change the encoded amino acid sequence of the APC protein. This variant is not present in population databases (gnomAD no frequency). This variant has not been reported in the literature in individuals affected with APC-related conditions. Experimental studies and prediction algorithms are not available or were not evaluated, and the functional significance of this variant is currently unknown. RNA analysis performed to evaluate the impact of this variant on mRNA splicing indicates it does not significantly alter splicing (internal data). In summary, the available evidence is currently insufficient to determine the role of this variant in disease. Therefore, it has been classified as a Variant of Uncertain Significance.

Blueprint Genetics
Classification: Uncertain significance. Last evaluated: 2024-08-19. Review status: criteria provided, single submitter. Criteria: ACMG Guidelines, 2015. Collection method: clinical testing. Allele origin: germline.